The following is an entry in ClinVar:

NM_001370259.2(MEN1):c.1205C>T (p.Ser402Phe)

Gene: MEN1 (menin 1; minus strand). Cytogenetic location: 11q13.1.
Variant type: single nucleotide variant.
Coding change: c.1205C>T on transcript NM_001370259.2 (MANE Select); coding-DNA position 1205, C replaced by T.
Protein change: p.Ser402Phe; replaces serine 402 with phenylalanine.
Molecular consequence: missense variant. On other transcripts: non-coding transcript variant (4), intron variant (1).
Genome position (GRCh38, 1-based): chr11:64,805,179, G>A on the plus strand (C>T on the coding strand, the complement: MEN1 is on the minus strand). VCF-style: chr11-64805179-G-A. GRCh37 (hg19) VCF-style: chr11-64572651-G-A.
Other names: c.1331C>T, p.Ser444Phe (NM_001407144.1, NM_001370251.2, NM_001407142.1 and 1 more transcripts); c.1220C>T, p.Ser407Phe (NM_001407145.1, NM_000244.4, NM_130800.3 and 4 more transcripts); c.1205C>T, p.Ser402Phe (NM_001407146.1, NM_001407147.1, NM_001370260.2 and 2 more transcripts); c.1100C>T, p.Ser367Phe (NM_001407148.1, NM_001407149.1, NM_001370262.2 and 1 more transcripts); c.1346C>T, p.Ser449Phe (NM_001407150.1); c.1226C>T, p.Ser409Phe (NM_001407151.1); c.1186-363C>T (NM_001407152.1); short protein forms S367F, S402F, S407F, S409F, S444F, S449F.
Identifiers: ClinVar variation 3071686 (VCV003071686.2), dbSNP rs2497146804, ClinGen allele CA381180764.

ClinVar aggregate classification (germline): Uncertain significance. Review status: criteria provided, multiple submitters, no conflicts (2 of 4 stars). 2 submissions from 2 submitters: Uncertain significance (2). Last evaluated 2025-04-02.

Conditions:
Hereditary cancer-predisposing syndrome. Also called: Hereditary neoplastic syndrome; Neoplastic Syndromes, Hereditary; Tumor predisposition; Hereditary Cancer Syndrome. Identifiers: Orphanet 140162, MedGen C0027672, MeSH D009386, MONDO:0015356.
Multiple endocrine neoplasia, type 1 (MEN1). Also called: MEN I; WERMER SYNDROME; Endocrine adenomatosis multiple; MEN 1; MEA I. Identifiers: Orphanet 652, MedGen C0025267, MeSH D018761, MONDO:0007540, OMIM 131100.

Submissions (2):

Ambry Genetics
Classification: Uncertain significance for Hereditary cancer-predisposing syndrome. Last evaluated: 2025-04-02. Review status: criteria provided, single submitter. Criteria: Ambry Variant Classification Scheme 2023. Collection method: clinical testing. Allele origin: germline.
Comment: The p.S402F variant (also known as c.1205C>T), located in coding exon 8 of the MEN1 gene, results from a C to T substitution at nucleotide position 1205. The serine at codon 402 is replaced by phenylalanine, an amino acid with highly dissimilar properties. This amino acid position is highly conserved in available vertebrate species. In addition, this alteration is predicted to be deleterious by in silico analysis. Based on the available evidence, the clinical significance of this variant remains unclear.

All of Us Research Program, National Institutes of Health
Classification: Uncertain significance for Multiple endocrine neoplasia, type 1. Last evaluated: 2023-06-28. Review status: criteria provided, single submitter. Criteria: ACMG Guidelines, 2015. Collection method: clinical testing. Allele origin: germline. Inheritance: Autosomal dominant inheritance. Observed: 1 variant allele, 1 heterozygote.
Comment: This study involves interpretation of variants in research participants for the purpose of population health screening. Participant phenotype was not available at the time of variant classification. Additional details can be found in publication PMID: 35346344, PMCID: PMC8962531